The following is an entry in ClinVar:

ClinVar aggregate classification (germline): Uncertain significance (1 of 4 stars; one submission).

Conditions:
Catecholaminergic polymorphic ventricular tachycardia 1. Also called: RYR2-Related Catecholaminergic Polymorphic Ventricular Tachycardia; VENTRICULAR TACHYCARDIA, CATECHOLAMINERGIC POLYMORPHIC, 1, WITH OR WITHOUT ATRIAL DYSFUNCTION AND/OR DILATED CARDIOMYOPATHY; VENTRICULAR TACHYCARDIA, STRESS-INDUCED POLYMORPHIC 1. Identifiers: Orphanet 3286, MedGen C1631597, MONDO:0011484, OMIM 604772.

Submission:

Labcorp Genetics (formerly Invitae), Labcorp
Classification: Uncertain significance for Catecholaminergic polymorphic ventricular tachycardia 1. Last evaluated: 2021-08-26. Review status: criteria provided, single submitter. Criteria: Invitae Variant Classification Sherloc (09022015). Collection method: clinical testing. Allele origin: germline.
Comment: This variant has not been reported in the literature in individuals affected with RYR2-related conditions. In summary, the available evidence is currently insufficient to determine the role of this variant in disease. Therefore, it has been classified as a Variant of Uncertain Significance. Advanced modeling of protein sequence and biophysical properties (such as structural, functional, and spatial information, amino acid conservation, physicochemical variation, residue mobility, and thermodynamic stability) performed at Invitae indicates that this missense variant is not expected to disrupt RYR2 protein function. This variant is not present in population databases (ExAC no frequency). This sequence change replaces phenylalanine with tyrosine at codon 1627 of the RYR2 protein (p.Phe1627Tyr). The phenylalanine residue is highly conserved and there is a small physicochemical difference between phenylalanine and tyrosine.

NM_001035.3(RYR2):c.4880T>A (p.Phe1627Tyr)

Gene: RYR2 (ryanodine receptor 2; plus strand). Cytogenetic location: 1q43.
Variant type: single nucleotide variant.
Coding change: c.4880T>A on transcript NM_001035.3 (MANE Select); coding-DNA position 4880, T replaced by A.
Protein change: p.Phe1627Tyr; replaces phenylalanine 1627 with tyrosine.
Molecular consequence: missense variant.
Genome position (GRCh38, 1-based): chr1:237,610,958, T>A. VCF-style: chr1-237610958-T-A. GRCh37 (hg19) VCF-style: chr1-237774258-T-A.
Other names: short protein forms F1627Y.
Identifiers: ClinVar variation 1377799 (VCV001377799.7), dbSNP rs2148574202, ClinGen allele CA345402829.